The following is an entry in ClinVar:

NM_198129.4(LAMA3):c.7725C>G (p.Tyr2575Ter)

Gene: LAMA3 (laminin subunit alpha 3; plus strand). Cytogenetic location: 18q11.2.
Variant type: single nucleotide variant.
Coding change: c.7725C>G on transcript NM_198129.4 (MANE Select); coding-DNA position 7725, C replaced by G.
Protein change: p.Tyr2575Ter; replaces tyrosine 2575 with a stop codon.
Molecular consequence: nonsense.
Genome position (GRCh38, 1-based): chr18:23,915,369, C>G. VCF-style: chr18-23915369-C-G. GRCh37 (hg19) VCF-style: chr18-21495333-C-G.
Other names: c.2730C>G, p.Tyr910Ter (NM_001127718.4); c.2898C>G, p.Tyr966Ter (NM_000227.6); c.7557C>G, p.Tyr2519Ter (NM_001127717.4); short protein forms Y2519*, Y910*, Y966*, Y2575*.
Identifiers: ClinVar variation 3723111 (VCV003723111.2).

ClinVar aggregate classification (germline): Pathogenic (1 of 4 stars; one submission).

Submission:

Labcorp Genetics (formerly Invitae), Labcorp
Classification: Pathogenic. Last evaluated: 2024-03-03. Review status: criteria provided, single submitter. Criteria: Invitae Variant Classification Sherloc (09022015). Collection method: clinical testing. Allele origin: germline.
Comment: This sequence change creates a premature translational stop signal (p.Tyr966*) in the LAMA3 gene. It is expected to result in an absent or disrupted protein product. Loss-of-function variants in LAMA3 are known to be pathogenic (PMID: 10366601, 11810295, 12915477, 16473856, 17362460, 22434185, 23869449, 27827380, 28087116). This variant is not present in population databases (gnomAD no frequency). This premature translational stop signal has been observed in individual(s) with junctional epidermolysis bullosa (PMID: 20881434). This variant is also known as c.2865C>G (Y955X). Algorithms developed to predict the effect of sequence changes on RNA splicing suggest that this variant may disrupt the consensus splice site. For these reasons, this variant has been classified as Pathogenic.

Literature cited by the submitters: PubMed 10366601; PubMed 11810295; PubMed 12915477; PubMed 16473856; PubMed 17362460; PubMed 22434185; PubMed 23869449; PubMed 27827380; PubMed 28087116; PubMed 20881434.